The following is an entry in ClinVar:

ClinVar aggregate classification (germline): Uncertain significance (1 of 4 stars; one submission).

Conditions:
Hereditary cancer-predisposing syndrome. Also called: Tumor predisposition; Hereditary neoplastic syndrome; Neoplastic Syndromes, Hereditary; Hereditary Cancer Syndrome. Identifiers: Orphanet 140162, MedGen C0027672, MeSH D009386, MONDO:0015356.

Submission:

Ambry Genetics
Classification: Uncertain significance for Hereditary cancer-predisposing syndrome. Last evaluated: 2025-04-13. Review status: criteria provided, single submitter. Criteria: Ambry Variant Classification Scheme 2023. Collection method: clinical testing. Allele origin: germline.
Comment: The p.I43M variant (also known as c.129T>G), located in coding exon 3 of the XRCC2 gene, results from a T to G substitution at nucleotide position 129. The isoleucine at codon 43 is replaced by methionine, an amino acid with highly similar properties. This amino acid position is conserved. In addition, the in silico prediction for this alteration is inconclusive. Based on the available evidence, the clinical significance of this variant remains unclear.

NM_005431.2(XRCC2):c.129T>G (p.Ile43Met)

Gene: XRCC2 (X-ray repair cross complementing 2; minus strand). Cytogenetic location: 7q36.1.
Variant type: single nucleotide variant.
Coding change: c.129T>G on transcript NM_005431.2 (MANE Select); coding-DNA position 129, T replaced by G.
Protein change: p.Ile43Met; replaces isoleucine 43 with methionine.
Molecular consequence: missense variant.
Genome position (GRCh38, 1-based): chr7:152,649,356, A>C on the plus strand (T>G on the coding strand, the complement: XRCC2 is on the minus strand). VCF-style: chr7-152649356-A-C. GRCh37 (hg19) VCF-style: chr7-152346441-A-C.
Other names: short protein forms I43M.
Identifiers: ClinVar variation 3982920 (VCV003982920.1).